The following is an entry in ClinVar:

NM_017612.5(ZCCHC8):c.1882A>G (p.Ser628Gly)

Gene: ZCCHC8 (zinc finger CCHC-type containing 8; minus strand). Cytogenetic location: 12q24.31.
Variant type: single nucleotide variant.
Coding change: c.1882A>G on transcript NM_017612.5 (MANE Select); coding-DNA position 1882, A replaced by G.
Protein change: p.Ser628Gly; replaces serine 628 with glycine.
Molecular consequence: missense variant.
Genome position (GRCh38, 1-based): chr12:122,473,739, T>C on the plus strand (A>G on the coding strand, the complement: ZCCHC8 is on the minus strand). VCF-style: chr12-122473739-T-C. GRCh37 (hg19) VCF-style: chr12-122958286-T-C.
Other names: c.1651A>G, p.Ser551Gly (NM_001350935.2); c.1585A>G, p.Ser529Gly (NM_001350936.2); c.1168A>G, p.Ser390Gly (NM_001350937.2, NM_001350938.2); short protein forms S529G, S551G, S628G, S390G.
Identifiers: ClinVar variation 2876557 (VCV002876557.3), dbSNP rs1158620221, ClinGen allele CA387047488.
Genomic context (GRCh38, chr12:122,473,739, plus strand): 5'-TGTCTGCAGGAAAGAGCTTCTGGCTGCCCCCATTGCTGATGTCACAGTTTGGTACGACAC[T>C]GCCATTATCAAGAAGGGCACCTTCAGTGTTTACCGGAGCCAACTCTGCTTTTTCCTTCTG-3'
Protein context (NP_060082.2, residues 618-638): NTEGALLDNG[Ser628Gly]VVPNCDISNG

ClinVar aggregate classification (germline): Uncertain significance (1 of 4 stars; one submission).

Allele frequency attached by ClinVar (database versions not stated): gnomAD exomes below 0.00001; TOPMed below 0.00001.

Submission:

Labcorp Genetics (formerly Invitae), Labcorp
Classification: Uncertain significance. Last evaluated: 2023-12-25. Review status: criteria provided, single submitter. Criteria: Invitae Variant Classification Sherloc (09022015). Collection method: clinical testing. Allele origin: germline.
Comment: This sequence change replaces serine, which is neutral and polar, with glycine, which is neutral and non-polar, at codon 628 of the ZCCHC8 protein (p.Ser628Gly). This variant is present in population databases (no rsID available, gnomAD 0.007%). This variant has not been reported in the literature in individuals affected with ZCCHC8-related conditions. Advanced modeling of protein sequence and biophysical properties (such as structural, functional, and spatial information, amino acid conservation, physicochemical variation, residue mobility, and thermodynamic stability) performed at Invitae indicates that this missense variant is not expected to disrupt ZCCHC8 protein function with a negative predictive value of 80%. In summary, the available evidence is currently insufficient to determine the role of this variant in disease. Therefore, it has been classified as a Variant of Uncertain Significance.